The following is an entry in ClinVar:

NM_021008.4(DEAF1):c.825C>T (p.His275=)

Gene: DEAF1 (DEAF1 transcription factor; minus strand). Cytogenetic location: 11p15.5.
Variant type: single nucleotide variant.
Coding change: c.825C>T on transcript NM_021008.4 (MANE Select); coding-DNA position 825, C replaced by T.
Protein change: p.His275=; no amino-acid change (histidine 275 retained).
Molecular consequence: synonymous variant. On other transcripts: missense variant (1).
Genome position (GRCh38, 1-based): chr11:684,943, G>A on the plus strand (C>T on the coding strand, the complement: DEAF1 is on the minus strand). VCF-style: chr11-684943-G-A. GRCh37 (hg19) VCF-style: chr11-684943-G-A.
Other names: c.685C>T, p.Arg229Cys (NM_001293634.2); c.99C>T, p.His33= (NM_001367390.1); short protein forms R229C.
Identifiers: ClinVar variation 767046 (VCV000767046.39), dbSNP rs144498322, ClinGen allele CA5786417.

ClinVar aggregate classification (germline): Benign/Likely benign. Review status: criteria provided, multiple submitters, no conflicts (2 of 4 stars). 6 submissions from 6 submitters: Benign (3); Likely benign (2). 1 of the submissions does not count toward it. Last evaluated 2026-02-02.

Conditions:
DEAF1-related disorder.

Allele frequency attached by ClinVar (database versions not stated): gnomAD exomes 0.00045 and 0.00086; ExAC 0.00192; 1000 Genomes Project 0.00200; 1000 Genomes Project 30x 0.00234; ESP Exome Variant Server 0.00282; gnomAD 0.00286 and 0.00310; TOPMed 0.00334.
gnomAD v4.1: 1,099 of 1,551,606 alleles (0.071%); highest among the groups gnomAD compares: African/African-American, 0.96%; 4 homozygotes.

Submissions (6):

Labcorp Genetics (formerly Invitae), Labcorp
Classification: Benign. Last evaluated: 2026-02-02. Review status: criteria provided, single submitter. Criteria: Invitae Variant Classification Sherloc (09022015). Collection method: clinical testing. Allele origin: germline.

CeGaT Center for Human Genetics Tuebingen
Classification: Likely benign. Last evaluated: 2025-11-01. Review status: criteria provided, single submitter. Criteria: CeGaT Center For Human Genetics Tuebingen Variant Classification Criteria Version 2. Collection method: clinical testing. Allele origin: germline. Affected: yes. Observed: 3 variant alleles.
Comment: DEAF1: BP4, BP7

Athena Diagnostics
Classification: Benign. Last evaluated: 2024-12-23. Review status: criteria provided, single submitter. Criteria: Athena Diagnostics Criteria. Collection method: clinical testing. Allele origin: unknown.
Comment: The frequency of this variant in the general population is higher than would generally be expected for pathogenic variants in this gene.

Blueprint Genetics
Classification: Likely benign. Last evaluated: 2024-11-25. Review status: criteria provided, single submitter. Criteria: ACMG Guidelines, 2015. Collection method: clinical testing. Allele origin: germline.

Genetic Services Laboratory, University of Chicago
Classification: Benign. Last evaluated: 2018-12-17. Review status: criteria provided, single submitter. Criteria: ACMG Guidelines, 2015. Collection method: clinical testing. Allele origin: germline. Affected: no.

PreventionGenetics, part of Exact Sciences
Classification: Benign for DEAF1-related condition. Last evaluated: 2020-01-13. Review status: no assertion criteria provided. Collection method: clinical testing. Allele origin: germline. Not counted in ClinVar's aggregate classification.
Comment: This variant is classified as benign based on ACMG/AMP sequence variant interpretation guidelines (Richards et al. 2015 PMID: 25741868, with internal and published modifications).

Literature cited by the submitters: PubMed 33705764 (cited by Athena Diagnostics); PubMed 38073621 (cited by Athena Diagnostics).